The following is an entry in ClinVar:

NM_000492.4(CFTR):c.2645G>A (p.Trp882Ter)

Gene: CFTR (CF transmembrane conductance regulator; plus strand). Cytogenetic location: 7q31.2.
Variant type: single nucleotide variant.
Coding change: c.2645G>A on transcript NM_000492.4 (MANE Select); coding-DNA position 2645, G replaced by A.
Protein change: p.Trp882Ter; replaces tryptophan 882 with a stop codon.
Molecular consequence: nonsense.
Genome position (GRCh38, 1-based): chr7:117,602,851, G>A. VCF-style: chr7-117602851-G-A. GRCh37 (hg19) VCF-style: chr7-117242905-G-A.
Other names: short protein forms W882*.
Identifiers: ClinVar variation 53535 (VCV000053535.5), dbSNP rs397508413, ClinGen allele CA326877.
Genomic context (GRCh38, chr7:117,602,851, plus strand): 5'-AGAAAAAAAATCAACTGTGTCTTGTTCCATTCCAGGTGGCTGCTTCTTTGGTTGTGCTGT[G>A]GCTCCTTGGAAAGTGAGTATTCCATGTCCTATTGTGTAGATTGTGTTTTATTTCTGTTGA-3'

ClinVar aggregate classification (germline): Pathogenic. Review status: reviewed by expert panel (3 of 4 stars). 6 submissions from 6 submitters: Pathogenic (1). 5 of the submissions do not count toward it. Last evaluated 2017-03-17.

Conditions:
CFTR-related disorder (CFTR-RD). Also called: CFTR-related condition; CFTR-related disorders. Identifiers: MedGen C5924204, MONDO:7770004.
Cystic fibrosis (CF). Also called: MUCOVISCIDOSIS. Identifiers: Orphanet 586, MedGen C0010674, MONDO:0009061, OMIM 219700. Disease mechanism: loss of function.
Bronchiectasis with or without elevated sweat chloride 1 (BESC1). Also called: Cystic Fibrosis-Like Syndrome. Identifiers: Orphanet 60033, MedGen C2749757, MONDO:0008887, OMIM 211400.

Submissions (6):

CFTR2
Classification: Pathogenic for Cystic fibrosis. Last evaluated: 2017-03-17. Review status: reviewed by expert panel. Criteria: Sosnay PR et al. (Nat Genet 2013). Collection method: research. Allele origin: germline. Affected: yes. Study: CFTR2.

Baylor Genetics
Classification: Pathogenic for Bronchiectasis with or without elevated sweat chloride 1. Last evaluated: 2022-08-13. Review status: criteria provided, single submitter. Criteria: ACMG Guidelines, 2015. Collection method: clinical testing. Allele origin: unknown. Not counted in ClinVar's aggregate classification.

Women's Health and Genetics/Laboratory Corporation of America, LabCorp
Classification: Pathogenic for Cystic fibrosis. Last evaluated: 2020-06-01. Review status: criteria provided, single submitter. Criteria: LabCorp Variant Classification Summary - May 2015. Collection method: clinical testing. Allele origin: germline. Not counted in ClinVar's aggregate classification.
Comment: Variant summary: CFTR c.2645G>A (p.Trp882X) results in a premature termination codon, predicted to cause a truncation of the encoded protein or absence of the protein due to nonsense mediated decay, which are commonly known mechanisms for disease. Truncations downstream of this position have been classified as pathogenic by our laboratory. The variant was absent in 251468 control chromosomes. c.2645G>A has been reported in the literature in individuals affected with Cystic Fibrosis (example, Clausters_2000, LeMarchal_2001, Sermet-Gaudelus_2010, Lucarelli_2017, Dewulf_2015). These data indicate that the variant is likely to be associated with disease. To our knowledge, no experimental evidence demonstrating an impact on protein function has been reported. Two submitters including an expert panel (CFTR2) have submitted clinical-significance assessments for this variant to ClinVar after 2014 without evidence for independent evaluation. All submitters classified the variant as pathogenic. Based on the evidence outlined above, the variant was classified as pathogenic.

CFTR-France
Classification: Pathogenic for cystic fibrosis. Last evaluated: 2018-01-29. Review status: criteria provided, single submitter. Criteria: Claustres M et al. (Hum Mutat 2017). Collection method: curation. Allele origin: germline. Affected: yes. Not counted in ClinVar's aggregate classification.

Natera, Inc.
Classification: Pathogenic for CFTR-related disorders. Last evaluated: 2017-03-17. Review status: no assertion criteria provided. Collection method: clinical testing. Allele origin: germline. Not counted in ClinVar's aggregate classification.

ClinVar Staff, National Center for Biotechnology Information (NCBI)
No classification provided. Condition: CFTR-related disorders. Review status: no classification provided. Collection method: literature only. Allele origin: germline. Affected: yes. Not counted in ClinVar's aggregate classification.

Literature cited by the submitters: PubMed 10923036 (cited by Women's Health and Genetics/Laboratory Corporation of America, LabCorp); PubMed 11379874 (cited by Women's Health and Genetics/Laboratory Corporation of America, LabCorp and ClinVar Staff, National Center for Biotechnology Information (NCBI)); PubMed 20622033 (cited by Women's Health and Genetics/Laboratory Corporation of America, LabCorp); PubMed 28736296 (cited by Women's Health and Genetics/Laboratory Corporation of America, LabCorp); PubMed 26540286 (cited by Women's Health and Genetics/Laboratory Corporation of America, LabCorp).